The following is an entry in ClinVar:

NM_000138.5(FBN1):c.4942+3A>G

Gene: FBN1 (fibrillin 1; minus strand). Cytogenetic location: 15q21.1.
Variant type: single nucleotide variant.
Coding change: c.4942+3A>G on transcript NM_000138.5 (MANE Select); 3 bases into the intron after coding-DNA position 4942, A replaced by G.
Molecular consequence: intron variant.
Genome position (GRCh38, 1-based): chr15:48,465,565, T>C on the plus strand (A>G on the coding strand, the complement: FBN1 is on the minus strand). VCF-style: chr15-48465565-T-C. GRCh37 (hg19) VCF-style: chr15-48757762-T-C.
Identifiers: ClinVar variation 928667 (VCV000928667.3), dbSNP rs2043313628, ClinGen allele CA1139663940.

ClinVar aggregate classification (germline): Uncertain significance. Review status: criteria provided, multiple submitters, no conflicts (2 of 4 stars). 2 submissions from 2 submitters: Uncertain significance (2). Last evaluated 2020-06-18.

Submissions (2):

GeneDx
Classification: Uncertain significance. Last evaluated: 2020-06-18. Review status: criteria provided, single submitter. Criteria: GeneDx Variant Classification Process June 2021. Collection method: clinical testing. Allele origin: germline. Affected: yes.
Comment: Not observed in large population cohorts (Lek et al., 2016); In-silico analysis, which includes splice predictors and evolutionary conservation, is inconclusive as to whether the variant alters gene splicing. In the absence of RNA/functional studies, the actual effect of this sequence change is unknown.; Reported in ClinVar as a variant of uncertain significance (ClinVar Variant ID# 928667; Landrum et al., 2016); This variant is associated with the following publications: (PMID: 25525159, 16222657)

Women's Health and Genetics/Laboratory Corporation of America, LabCorp
Classification: Uncertain significance. Last evaluated: 2019-08-05. Review status: criteria provided, single submitter. Criteria: LabCorp Variant Classification Summary - May 2015. Collection method: clinical testing. Allele origin: germline.
Comment: Variant summary: FBN1 c.4942+3A>G alters a conserved nucleotide located close to a canonical splice site and therefore could affect mRNA splicing, leading to a significantly altered protein sequence. Several computational tools predict an impact on normal splicing: Four predict the variant weakens the canonical 5' donor site. However, these predictions have yet to be confirmed by functional studies. The variant was absent in 251230 control chromosomes. The available data on variant occurrences in the general population are insufficient to allow any conclusion about variant significance. c.4942+3A>G has been reported in the literature as a familial variant in at-least one individual affected with suspected or proven Marfan Syndrome or other type-I fibrillinopathies (Arbustini_2005). These data do not allow any conclusion about variant significance. To our knowledge, no experimental evidence demonstrating an impact on protein function has been reported. No clinical diagnostic laboratories have submitted clinical-significance assessments for this variant to ClinVar after 2014. Based on the evidence outlined above, the variant was classified as uncertain significance.

Literature cited by the submitters: PubMed 16222657 (cited by Women's Health and Genetics/Laboratory Corporation of America, LabCorp).